The following is an entry in ClinVar:

NM_024596.5(MCPH1):c.1781C>T (p.Thr594Met)

Gene: MCPH1 (microcephalin 1; plus strand). Cytogenetic location: 8p23.1.
Variant type: single nucleotide variant.
Coding change: c.1781C>T on transcript NM_024596.5 (MANE Select); coding-DNA position 1781, C replaced by T.
Protein change: p.Thr594Met; replaces threonine 594 with methionine.
Molecular consequence: missense variant. On other transcripts: non-coding transcript variant (1).
Genome position (GRCh38, 1-based): chr8:6,445,503, C>T. VCF-style: chr8-6445503-C-T. GRCh37 (hg19) VCF-style: chr8-6303024-C-T.
Other names: c.1781C>T (NM_001322042.1); c.1781C>T, p.Thr594Met (NM_001172574.2, NM_001322042.2, NM_001363979.1 and 1 more transcripts); c.1637C>T, p.Thr546Met (NM_001172575.2); c.1775C>T, p.Thr592Met (NM_001322043.2); c.1679C>T, p.Thr560Met (NM_001322045.2); short protein forms T594M, T560M, T592M, T546M.
Identifiers: ClinVar variation 286060 (VCV000286060.28), dbSNP rs115033462, ClinGen allele CA4610642.
Genomic context (GRCh38, chr8:6,445,503, plus strand): 5'-CTGAAGGCGAAGCCCAGAGTGAACATGAGCCATGTTTTATAGTTGACTGTAACATGGAGA[C>T]GTCTACAGAAGAGAAGGAAAACTTACCCGGAGGATACAGTGGAAGTATGTGAATCTCCTT-3'
Protein context (NP_078872.3, residues 584-604): PCFIVDCNME[Thr594Met]STEEKENLPG

ClinVar aggregate classification (germline): Benign/Likely benign. Review status: criteria provided, multiple submitters, no conflicts (2 of 4 stars). 6 submissions from 6 submitters: Benign (2); Likely benign (3). 1 of the submissions does not count toward it. Last evaluated 2026-04-01.

Conditions:
MCPH1-related disorder. Also called: MCPH1-related condition.

Allele frequency attached by ClinVar (database versions not stated): ExAC 0.00088; ESP Exome Variant Server 0.00268; gnomAD 0.00299 and 0.00319; TOPMed 0.00322; 1000 Genomes Project 0.00359; 1000 Genomes Project 30x 0.00390.
gnomAD v4.1: 845 of 1,612,220 alleles (0.052%); highest among the groups gnomAD compares: African/African-American, 1%; 2 homozygotes.

Submissions (6):

CeGaT Center for Human Genetics Tuebingen
Classification: Likely benign. Last evaluated: 2026-04-01. Review status: criteria provided, single submitter. Criteria: CeGaT Center For Human Genetics Tuebingen Variant Classification Criteria Version 2. Collection method: clinical testing. Allele origin: germline. Affected: yes. Observed: 4 variant alleles.
Comment: MCPH1: BP4, BS1

Labcorp Genetics (formerly Invitae), Labcorp
Classification: Benign. Last evaluated: 2026-02-04. Review status: criteria provided, single submitter. Criteria: Invitae Variant Classification Sherloc (09022015). Collection method: clinical testing. Allele origin: germline.

GeneDx
Classification: Likely benign. Last evaluated: 2018-07-09. Review status: criteria provided, single submitter. Criteria: GeneDx Variant Classification Process June 2021. Collection method: clinical testing. Allele origin: germline. Affected: yes.

Eurofins Ntd Llc (ga)
Classification: Benign. Last evaluated: 2016-02-12. Review status: criteria provided, single submitter. Criteria: EGL Classification Definitions 2015. Collection method: clinical testing. Allele origin: germline. Observed: 1 variant allele, 1 heterozygote.

Breakthrough Genomics
Classification: Likely benign. Review status: criteria provided, single submitter. Criteria: ACMG Guidelines, 2015. Collection method: not provided. Allele origin: germline. Inheritance: Autosomal recessive inheritance. Affected: yes.

PreventionGenetics, part of Exact Sciences
Classification: Benign for MCPH1-related condition. Last evaluated: 2019-03-20. Review status: no assertion criteria provided. Collection method: clinical testing. Allele origin: germline. Not counted in ClinVar's aggregate classification.
Comment: This variant is classified as benign based on ACMG/AMP sequence variant interpretation guidelines (Richards et al. 2015 PMID: 25741868, with internal and published modifications).